The following is an entry in ClinVar:

ClinVar aggregate classification (germline): Uncertain significance. Review status: criteria provided, multiple submitters, no conflicts (2 of 4 stars). 2 submissions from 2 submitters: Uncertain significance (2). Last evaluated 2022-08-29.

Allele frequency attached by ClinVar (database versions not stated): gnomAD 0.00001; TOPMed 0.00001.
gnomAD v4.1: 23 of 1,566,634 alleles (0.0015%); highest among the groups gnomAD compares: Admixed American, 0.013%; no homozygotes.

Submissions (2):

GeneDx
Classification: Uncertain significance. Last evaluated: 2022-08-29. Review status: criteria provided, single submitter. Criteria: GeneDx Variant Classification Process June 2021. Collection method: clinical testing. Allele origin: germline. Affected: yes.
Comment: In silico analysis supports that this missense variant does not alter protein structure/function; Has not been previously published as pathogenic or benign to our knowledge

Labcorp Genetics (formerly Invitae), Labcorp
Classification: Uncertain significance. Last evaluated: 2021-11-29. Review status: criteria provided, single submitter. Criteria: Invitae Variant Classification Sherloc (09022015). Collection method: clinical testing. Allele origin: germline.
Comment: This sequence change replaces valine, which is neutral and non-polar, with isoleucine, which is neutral and non-polar, at codon 225 of the FGF3 protein (p.Val225Ile). This variant is present in population databases (rs782246758, gnomAD 0.02%). This variant has not been reported in the literature in individuals affected with FGF3-related conditions. Algorithms developed to predict the effect of missense changes on protein structure and function output the following: SIFT: "Tolerated"; PolyPhen-2: "Benign"; Align-GVGD: "Class C0". The isoleucine amino acid residue is found in multiple mammalian species, which suggests that this missense change does not adversely affect protein function. In summary, the available evidence is currently insufficient to determine the role of this variant in disease. Therefore, it has been classified as a Variant of Uncertain Significance.

NM_005247.4(FGF3):c.673G>A (p.Val225Ile)

Gene: FGF3 (fibroblast growth factor 3; minus strand). Cytogenetic location: 11q13.3.
Variant type: single nucleotide variant.
Coding change: c.673G>A on transcript NM_005247.4 (MANE Select); coding-DNA position 673, G replaced by A.
Protein change: p.Val225Ile; replaces valine 225 with isoleucine.
Molecular consequence: missense variant.
Genome position (GRCh38, 1-based): chr11:69,810,352, C>T on the plus strand (G>A on the coding strand, the complement: FGF3 is on the minus strand). VCF-style: chr11-69810352-C-T. GRCh37 (hg19) VCF-style: chr11-69625120-C-T.
Other names: c.673G>A (NM_005247.2); short protein forms V225I.
Identifiers: ClinVar variation 1494139 (VCV001494139.6), dbSNP rs782246758, ClinGen allele CA6157009.